The following is an entry in ClinVar:

NM_005188.4(CBL):c.213_214del (p.Asn72fs)

Gene: CBL (Cbl proto-oncogene; plus strand). Cytogenetic location: 11q23.3.
Variant type: Deletion.
Coding change: c.213_214del on transcript NM_005188.4 (MANE Select); coding-DNA positions 213 to 214, 2 bases deleted (GA; older notation c.213_214delGA).
Protein change: p.Asn72fs; shifts the reading frame from asparagine 72.
Molecular consequence: frameshift variant.
Genome position (GRCh38, 1-based): chr11:119,232,465-119,232,466, GA deleted; deleting any 2 consecutive bases within chr11:119,232,464-119,232,466 gives the same sequence; the c. name uses the placement nearest the transcript's 3' end. VCF-style (leftmost placement, unchanged base first): chr11-119232463-CAG-C. GRCh37 (hg19) VCF-style: chr11-119103173-CAG-C.
Other names: short protein forms N72fs.
Identifiers: ClinVar variation 2841431 (VCV002841431.3), dbSNP rs2496865660, ClinGen allele CA2739271723.

ClinVar aggregate classification (germline): Uncertain significance (1 of 4 stars; one submission).

Conditions:
RASopathy. Also called: Noonan spectrum disorder; rasopathies. Identifiers: Orphanet 536391, MedGen C5555857, MONDO:0021060.

Submission:

Labcorp Genetics (formerly Invitae), Labcorp
Classification: Uncertain significance for RASopathy. Last evaluated: 2023-04-10. Review status: criteria provided, single submitter. Criteria: Invitae Variant Classification Sherloc (09022015). Collection method: clinical testing. Allele origin: germline.
Comment: In summary, the available evidence is currently insufficient to determine the role of this variant in disease. Therefore, it has been classified as a Variant of Uncertain Significance. This variant has not been reported in the literature in individuals affected with CBL-related conditions. This variant is not present in population databases (gnomAD no frequency). This sequence change creates a premature translational stop signal (p.Asn72Profs*8) in the CBL gene. It is expected to result in an absent or disrupted protein product. However, the current clinical and genetic evidence is not sufficient to establish whether loss-of-function variants in CBL cause disease.